The following is an entry in ClinVar:

NM_001009944.3(PKD1):c.2069T>A (p.Val690Asp)

Gene: PKD1 (polycystin 1, transient receptor potential channel interacting; minus strand). Cytogenetic location: 16p13.3.
Variant type: single nucleotide variant.
Coding change: c.2069T>A on transcript NM_001009944.3 (MANE Select); coding-DNA position 2069, T replaced by A.
Protein change: p.Val690Asp; replaces valine 690 with aspartic acid.
Molecular consequence: missense variant.
Genome position (GRCh38, 1-based): chr16:2,115,406, A>T on the plus strand (T>A on the coding strand, the complement: PKD1 is on the minus strand). VCF-style: chr16-2115406-A-T. GRCh37 (hg19) VCF-style: chr16-2165407-A-T.
Other names: c.2069T>A, p.Val690Asp (NM_000296.4); short protein forms V690D.
Identifiers: ClinVar variation 3774384 (VCV003774384.3).

ClinVar aggregate classification (germline): Conflicting classifications of pathogenicity. Review status: criteria provided, conflicting classifications (1 of 4 stars). 2 submissions from 2 submitters: Likely pathogenic (1); Uncertain significance (1). Last evaluated 2025-03-28.

Conditions:
Autosomal dominant polycystic kidney disease. Identifiers: Orphanet 730, MedGen C0085413, MONDO:0004691.
Polycystic kidney disease, adult type (PKD1). Also called: Polycystic Kidney, Autosomal Dominant; POLYCYSTIC KIDNEY DISEASE 1 WITH OR WITHOUT POLYCYSTIC LIVER DISEASE; Polycystic Kidney Disease 1, Autosomal Dominant; Polycystic kidney disease 1; Polycystic kidney disease 1, severe; POLYCYSTIC KIDNEY DISEASE, ADULT, TYPE I. Identifiers: MedGen C3149841, MONDO:0008263, OMIM 173900.

Submissions (2):

Clinical Genetics Laboratory, Skane University Hospital Lund
Classification: Likely pathogenic for Autosomal dominant polycystic kidney disease. Last evaluated: 2025-03-28. Review status: criteria provided, single submitter. Criteria: ACMG Guidelines, 2015. Collection method: clinical testing. Allele origin: germline. Affected: yes.
Comment: ACMG-criteria applied: PS3_supporting, PS4_supporting, PM2, PP4_strong.

Victorian Clinical Genetics Services, Murdoch Childrens Research Institute
Classification: Uncertain significance for Polycystic kidney disease, adult type. Last evaluated: 2025-03-25. Review status: criteria provided, single submitter. Criteria: ACMG Guidelines, 2015. Collection method: clinical testing. Allele origin: germline. Affected: yes.
Comment: This variant is classified as VUS-3A. Evidence in support of pathogenic classification: Variant is absent from gnomAD (v2, v3 and v4); This variant has limited previous evidence of pathogenicity in unrelated individuals. This variant has been reported in the literature in an affected individual with polycystic kidney disease, and in their affected mother (PMID: 12842373); This variant has moderate functional evidence supporting abnormal protein function. In vitro analysis in LLC-PK cells demonstrated this variant resulted in the protein product failing to traffic to the cilia (PMID: 25365220). Additional information: Variant is predicted to result in a missense amino acid change from valine to aspartic acid; This variant is heterozygous; This gene is associated with autosomal dominant disease. Polycystic kidney disease 1 (MIM#173900) is predominantly caused by monoallelic variants, with rare reports of biallelic variants causing disease (OMIM); Alternative amino acid change(s) at the same position are present in gnomAD (Highest allele count: v4: 10 heterozygote(s), 0 homozygote(s)) ; Other missense variants comparable to the one identified in this case have inconclusive previous evidence for pathogenicity. p.(Val690Gly) has been reported in the literature in an affected individual with PKD (PMID: 17582161). Additionally, p.(Val690Ile) has been classified as likely benign in ClinVar by a laboratory who observed the variant in an individual with PKD who also had a pathogenic PKD1 variant; Variant is not located in an established domain, motif, hotspot or informative constraint region; Missense variant with inconclusive in silico prediction and uninformative conservation; Loss of function is a known mechanism of disease in this gene and is associated with polycystic kidney disease 1 (MIM#173900); Inheritance information for this variant is not currently available in this individual.

Literature cited by the submitters: PubMed 17582161 (cited by Victorian Clinical Genetics Services, Murdoch Childrens Research Institute); PubMed 12842373 (cited by Victorian Clinical Genetics Services, Murdoch Childrens Research Institute); PubMed 25365220 (cited by Victorian Clinical Genetics Services, Murdoch Childrens Research Institute).